The following is an entry in ClinVar:

NM_198578.4(LRRK2):c.2396C>A (p.Ala799Asp)

Gene: LRRK2 (leucine rich repeat kinase 2; plus strand). Cytogenetic location: 12q12.
Variant type: single nucleotide variant.
Coding change: c.2396C>A on transcript NM_198578.4 (MANE Select); coding-DNA position 2396, C replaced by A.
Protein change: p.Ala799Asp; replaces alanine 799 with aspartic acid.
Molecular consequence: missense variant.
Genome position (GRCh38, 1-based): chr12:40,284,029, C>A. VCF-style: chr12-40284029-C-A. GRCh37 (hg19) VCF-style: chr12-40677831-C-A.
Other names: short protein forms A799D.
Identifiers: ClinVar variation 1790620 (VCV001790620.2), dbSNP rs2499664903, ClinGen allele CA384406909.

ClinVar aggregate classification (germline): Uncertain significance (1 of 4 stars; one submission).

Conditions:
Inborn genetic diseases. Identifiers: MedGen C0950123, MeSH D030342.

Submission:

Ambry Genetics
Classification: Uncertain significance for Inborn genetic diseases. Last evaluated: 2022-05-07. Review status: criteria provided, single submitter. Criteria: Ambry Variant Classification Scheme 2023. Collection method: clinical testing. Allele origin: germline.
Comment: The p.A799D variant (also known as c.2396C>A), located in coding exon 19 of the LRRK2 gene, results from a C to A substitution at nucleotide position 2396. The alanine at codon 799 is replaced by aspartic acid, an amino acid with dissimilar properties. This amino acid position is conserved. In addition, the in silico prediction for this alteration is inconclusive. Since supporting evidence is limited at this time, the clinical significance of this alteration remains unclear.